The following is an entry in ClinVar:

NM_001371928.1(AHDC1):c.2582G>A (p.Arg861His)

Gene: AHDC1 (AT-hook DNA binding motif containing 1; minus strand). Cytogenetic location: 1p36.11.
Variant type: single nucleotide variant.
Coding change: c.2582G>A on transcript NM_001371928.1 (MANE Select); coding-DNA position 2582, G replaced by A.
Protein change: p.Arg861His; replaces arginine 861 with histidine.
Molecular consequence: missense variant.
Genome position (GRCh38, 1-based): chr1:27,549,534, C>T on the plus strand (G>A on the coding strand, the complement: AHDC1 is on the minus strand). VCF-style: chr1-27549534-C-T. GRCh37 (hg19) VCF-style: chr1-27876045-C-T.
Other names: c.2582G>A, p.Arg861His (NM_001029882.3); short protein forms R861H.
Identifiers: ClinVar variation 3007824 (VCV003007824.3), dbSNP rs930775574, ClinGen allele CA19874264.

ClinVar aggregate classification (germline): Uncertain significance (1 of 4 stars; one submission).

Allele frequency attached by ClinVar (database versions not stated): gnomAD exomes 0.00001.
gnomAD v4.1: 17 of 1,613,208 alleles (0.0011%); highest among the groups gnomAD compares: Non-Finnish European, 0.0013%; no homozygotes.

Submission:

Labcorp Genetics (formerly Invitae), Labcorp
Classification: Uncertain significance. Last evaluated: 2025-03-01. Review status: criteria provided, single submitter. Criteria: Invitae Variant Classification Sherloc (09022015). Collection method: clinical testing. Allele origin: germline.
Comment: This sequence change replaces arginine, which is basic and polar, with histidine, which is basic and polar, at codon 861 of the AHDC1 protein (p.Arg861His). This variant is present in population databases (no rsID available, gnomAD 0.0009%). This variant has not been reported in the literature in individuals affected with AHDC1-related conditions. ClinVar contains an entry for this variant (Variation ID: 3007824). An algorithm developed to predict the effect of missense changes on protein structure and function (PolyPhen-2) suggests that this variant is likely to be disruptive. In summary, the available evidence is currently insufficient to determine the role of this variant in disease. Therefore, it has been classified as a Variant of Uncertain Significance.